The following is an entry in ClinVar:

ClinVar aggregate classification (germline): Uncertain significance (1 of 4 stars; one submission).

Allele frequency attached by ClinVar (database versions not stated): gnomAD exomes below 0.00001; TOPMed below 0.00001; ESP Exome Variant Server 0.00008.
gnomAD v4.1: 3 of 1,586,346 alleles (0.00019%); highest among the groups gnomAD compares: African/African-American, 0.0013%; no homozygotes.

Submission:

GeneDx
Classification: Uncertain significance. Last evaluated: 2022-06-21. Review status: criteria provided, single submitter. Criteria: GeneDx Variant Classification Process June 2021. Collection method: clinical testing. Allele origin: germline. Affected: yes.
Comment: Not observed in large population cohorts (gnomAD); In silico analysis, which includes protein predictors and evolutionary conservation, supports a deleterious effect; Has not been previously published as pathogenic or benign to our knowledge

NM_002816.5(PSMD12):c.1111A>G (p.Thr371Ala)

Gene: PSMD12 (proteasome 26S subunit, non-ATPase 12; minus strand). Cytogenetic location: 17q24.2.
Variant type: single nucleotide variant.
Coding change: c.1111A>G on transcript NM_002816.5 (MANE Select); coding-DNA position 1111, A replaced by G.
Protein change: p.Thr371Ala; replaces threonine 371 with alanine.
Molecular consequence: missense variant.
Genome position (GRCh38, 1-based): chr17:67,342,236, T>C on the plus strand (A>G on the coding strand, the complement: PSMD12 is on the minus strand). VCF-style: chr17-67342236-T-C. GRCh37 (hg19) VCF-style: chr17-65338352-T-C.
Other names: c.934A>G, p.Thr312Ala (NM_001316341.2); c.1051A>G, p.Thr351Ala (NM_174871.4); short protein forms T312A, T351A, T371A.
Identifiers: ClinVar variation 1200019 (VCV001200019.5), dbSNP rs149385084, ClinGen allele CA293538753.